The following is an entry in ClinVar:

ClinVar aggregate classification (germline): Benign. Review status: criteria provided, multiple submitters, no conflicts (2 of 4 stars). 2 submissions from 2 submitters: Benign (2). Last evaluated 2018-01-12.

Conditions:
Fraser syndrome 1 (FRASRS1). Also called: CRYPTOPHTHALMOS WITH OTHER MALFORMATIONS. Identifiers: Orphanet 2052, MedGen C4551480, MONDO:0054737, OMIM 219000.

Allele frequency attached by ClinVar (database versions not stated): 1000 Genomes Project 0.08087; gnomAD 0.08132 and 0.08697; 1000 Genomes Project 30x 0.08417; TOPMed 0.08861.

Submissions (2):

Illumina Laboratory Services, Illumina
Classification: Benign for Fraser syndrome 1. Last evaluated: 2018-01-12. Review status: criteria provided, single submitter. Criteria: ICSL Variant Classification Criteria 13 December 2019. Collection method: clinical testing. Allele origin: germline.
Comment: This variant was observed in the ICSL laboratory as part of a predisposition screen in an ostensibly healthy population. It had not been previously curated by ICSL or reported in the Human Gene Mutation Database (HGMD: prior to June 1st, 2018), and was therefore a candidate for classification through an automated scoring system. Utilizing variant allele frequency, disease prevalence and penetrance estimates, and inheritance mode, an automated score was calculated to assess if this variant is too frequent to cause the disease. Based on the score and internal cut-off values, a variant classified as benign is not then subjected to further curation. The score for this variant resulted in a classification of benign for this disease.

Breakthrough Genomics
Classification: Benign. Review status: criteria provided, single submitter. Criteria: ACMG Guidelines, 2015. Collection method: not provided. Allele origin: germline. Inheritance: Autosomal recessive inheritance. Affected: yes.

NM_025074.7(FRAS1):c.*1995G>T

Gene: FRAS1 (Fraser extracellular matrix complex subunit 1; plus strand). Cytogenetic location: 4q21.21.
Variant type: single nucleotide variant.
Coding change: c.*1995G>T on transcript NM_025074.7 (MANE Select); 1995 bases downstream of the stop codon, G replaced by T.
Molecular consequence: 3 prime UTR variant.
Genome position (GRCh38, 1-based): chr4:78,543,119, G>T. VCF-style: chr4-78543119-G-T. GRCh37 (hg19) VCF-style: chr4-79464273-G-T.
Identifiers: ClinVar variation 349854 (VCV000349854.6), dbSNP rs72873318, ClinGen allele CA10621783.